The following is an entry in ClinVar:

GRCh38/hg38 5p15.33-15.2(chr5:22149-12004091)x1

Genes: LPCAT1 (lysophosphatidylcholine acyltransferase 1), LRRC14B (leucine rich repeat containing 14B; plus strand), LSINCT5 (long stress-induced non-coding transcript 5; plus strand), MARCHF6 (membrane associated ring-CH-type finger 6; plus strand), MARCHF6-DT (MARCHF6 divergent transcript; minus strand) and 382 more. Cytogenetic location: 5p15.33-15.2.
Variant type: copy number loss.
Change: copy number 1 (one copy instead of two) of chr5:22,149-12,004,091 (11.98 Mb, GRCh38 coordinates, 1-based), cytogenetic band 5p15.33-15.2.
Identifiers: ClinVar variation 59556 (VCV000059556.2).

ClinVar aggregate classification (germline): Pathogenic (1 of 4 stars; one submission).

Submission:

ISCA Site 6
Classification: Pathogenic. Last evaluated: 2011-08-12. Review status: criteria provided, single submitter. Criteria: Kaminsky et al. (Genet Med. 2011). Collection method: clinical testing. Allele origin: unknown. Affected: yes. Observed: 1 variant allele.
Comment: Copy number variation identified through the course of routine clinical cytogenomic testing in postnatal populations. Clinical assertions have been curated as described in Kaminsky et al. 2011.